The following is an entry in ClinVar:

NM_020738.4(KIDINS220):c.136G>A (p.Ala46Thr)

Gene: KIDINS220 (kinase D interacting substrate 220; minus strand). Cytogenetic location: 2p25.1.
Variant type: single nucleotide variant.
Coding change: c.136G>A on transcript NM_020738.4 (MANE Select); coding-DNA position 136, G replaced by A.
Protein change: p.Ala46Thr; replaces alanine 46 with threonine.
Molecular consequence: missense variant. On other transcripts: non-coding transcript variant (2).
Genome position (GRCh38, 1-based): chr2:8,818,766, C>T on the plus strand (G>A on the coding strand, the complement: KIDINS220 is on the minus strand). VCF-style: chr2-8818766-C-T. GRCh37 (hg19) VCF-style: chr2-8958896-C-T.
Other names: c.136G>A, p.Ala46Thr (NM_001348741.2, NM_001348742.2, NM_001348743.2 and 9 more transcripts); c.10G>A, p.Ala4Thr (NM_001348736.2); c.136G>A (NM_020738.2); short protein forms A46T, A4T.
Identifiers: ClinVar variation 1365824 (VCV001365824.11), dbSNP rs188266397, ClinGen allele CA1520515.

ClinVar aggregate classification (germline): Uncertain significance. Review status: criteria provided, multiple submitters, no conflicts (2 of 4 stars). 3 submissions from 3 submitters: Uncertain significance (3). Last evaluated 2025-06-02.

Conditions:
Inborn genetic diseases. Identifiers: MedGen C0950123, MeSH D030342.
KIDINS220-related disorder. Also called: KIDINS220-related condition.

Allele frequency attached by ClinVar (database versions not stated): ExAC 0.00001; TOPMed 0.00007; gnomAD 0.00008; 1000 Genomes Project 0.00020; 1000 Genomes Project 30x 0.00031.
gnomAD v4.1: 14 of 1,609,340 alleles (0.00087%); highest among the groups gnomAD compares: Admixed American, 0.02%; no homozygotes.

Submissions (3):

PreventionGenetics, part of Exact Sciences
Classification: Uncertain significance for KIDINS220-related condition. Last evaluated: 2025-06-02. Review status: criteria provided, single submitter. Criteria: ACMG Guidelines, 2015. Collection method: clinical testing. Allele origin: germline.
Comment: The KIDINS220 c.136G>A variant is predicted to result in the amino acid substitution p.Ala46Thr. To our knowledge, this variant has not been reported in the literature. This variant is reported in 0.12% of alleles in individuals of Latino descent in gnomAD, which may be too common to be an undocumented pathogenic variant. Although we suspect that this variant may be benign, at this time, the clinical significance of this variant is uncertain due to the absence of conclusive functional and genetic evidence.

Labcorp Genetics (formerly Invitae), Labcorp
Classification: Uncertain significance. Last evaluated: 2025-02-03. Review status: criteria provided, single submitter. Criteria: Invitae Variant Classification Sherloc (09022015). Collection method: clinical testing. Allele origin: germline.
Comment: This sequence change replaces alanine, which is neutral and non-polar, with threonine, which is neutral and polar, at codon 46 of the KIDINS220 protein (p.Ala46Thr). This variant is present in population databases (rs188266397, gnomAD 0.006%). This variant has not been reported in the literature in individuals affected with KIDINS220-related conditions. ClinVar contains an entry for this variant (Variation ID: 1365824). An algorithm developed to predict the effect of missense changes on protein structure and function (PolyPhen-2) suggests that this variant is likely to be disruptive. In summary, the available evidence is currently insufficient to determine the role of this variant in disease. Therefore, it has been classified as a Variant of Uncertain Significance.

Ambry Genetics
Classification: Uncertain significance for Inborn genetic diseases. Last evaluated: 2022-08-08. Review status: criteria provided, single submitter. Criteria: Ambry Variant Classification Scheme 2023. Collection method: clinical testing. Allele origin: germline.